The following is an entry in ClinVar:

NM_032043.3(BRIP1):c.3430G>A (p.Glu1144Lys)

Gene: BRIP1 (BRCA1 interacting DNA helicase 1; minus strand). Cytogenetic location: 17q23.2.
Variant type: single nucleotide variant.
Coding change: c.3430G>A on transcript NM_032043.3 (MANE Select); coding-DNA position 3430, G replaced by A.
Protein change: p.Glu1144Lys; replaces glutamic acid 1144 with lysine.
Molecular consequence: missense variant.
Genome position (GRCh38, 1-based): chr17:61,683,616, C>T on the plus strand (G>A on the coding strand, the complement: BRIP1 is on the minus strand). VCF-style: chr17-61683616-C-T. GRCh37 (hg19) VCF-style: chr17-59760977-C-T.
Other names: short protein forms E1144K.
Identifiers: ClinVar variation 2129079 (VCV002129079.4), dbSNP rs1279870189, ClinGen allele CA400478745.

ClinVar aggregate classification (germline): Uncertain significance (1 of 4 stars; one submission).

Conditions:
Familial cancer of breast. Also called: BREAST CANCER, FAMILIAL; Hereditary breast cancer; hereditary breast carcinoma. Identifiers: Orphanet 227535, MedGen C0346153, MONDO:0016419, OMIM 114480. Disease mechanism: loss of function.
Fanconi anemia complementation group J. Also called: BRIP1-Related Fanconi Anemia. Identifiers: Orphanet 84, MedGen C1836860, MONDO:0012187, OMIM 609054.

Submission:

Labcorp Genetics (formerly Invitae), Labcorp
Classification: Uncertain significance for Familial cancer of breast; Fanconi anemia complementation group J. Last evaluated: 2022-05-12. Review status: criteria provided, single submitter. Criteria: Invitae Variant Classification Sherloc (09022015). Collection method: clinical testing. Allele origin: germline.
Comment: This variant has not been reported in the literature in individuals affected with BRIP1-related conditions. This variant is not present in population databases (gnomAD no frequency). This sequence change replaces glutamic acid, which is acidic and polar, with lysine, which is basic and polar, at codon 1144 of the BRIP1 protein (p.Glu1144Lys). Algorithms developed to predict the effect of missense changes on protein structure and function output the following: SIFT: "Tolerated"; PolyPhen-2: "Benign"; Align-GVGD: "Class C0". The lysine amino acid residue is found in multiple mammalian species, which suggests that this missense change does not adversely affect protein function. In summary, the available evidence is currently insufficient to determine the role of this variant in disease. Therefore, it has been classified as a Variant of Uncertain Significance.